The following is an entry in ClinVar:

ClinVar aggregate classification (germline): Uncertain significance (1 of 4 stars; one submission).

Conditions:
Hereditary cancer-predisposing syndrome. Also called: Neoplastic Syndromes, Hereditary; Tumor predisposition; Hereditary Cancer Syndrome; Hereditary neoplastic syndrome. Identifiers: Orphanet 140162, MedGen C0027672, MeSH D009386, MONDO:0015356.

Submission:

Ambry Genetics
Classification: Uncertain significance for Hereditary cancer-predisposing syndrome. Last evaluated: 2019-10-18. Review status: criteria provided, single submitter. Criteria: Ambry Variant Classification Scheme 2023. Collection method: clinical testing. Allele origin: germline.
Comment: The p.N267K variant (also known as c.801T>G), located in coding exon 7 of the FANCC gene, results from a T to G substitution at nucleotide position 801. The asparagine at codon 267 is replaced by lysine, an amino acid with similar properties. This amino acid position is not well conserved in available vertebrate species. In addition, this alteration is predicted to be tolerated by in silico analysis. Since supporting evidence is limited at this time, the clinical significance of this alteration remains unclear.

NM_000136.3(FANCC):c.801T>G (p.Asn267Lys)

Genes: AOPEP (aminopeptidase O (putative); plus strand), FANCC (FA complementation group C; minus strand). Cytogenetic location: 9q22.32.
Variant type: single nucleotide variant.
Coding change: c.801T>G on transcript NM_000136.3 (MANE Select); coding-DNA position 801, T replaced by G.
Protein change: p.Asn267Lys; replaces asparagine 267 with lysine.
Molecular consequence: missense variant.
Genome position (GRCh38, 1-based): chr9:95,135,388, A>C on the plus strand (T>G on the coding strand, the complement: FANCC is on the minus strand). VCF-style: chr9-95135388-A-C. GRCh37 (hg19) VCF-style: chr9-97897670-A-C.
Other names: c.801T>G, p.Asn267Lys (NM_001243743.2, NM_001243744.2); short protein forms N267K.
Identifiers: ClinVar variation 1761700 (VCV001761700.2), dbSNP rs1398367594, ClinGen allele CA374109255.